The following is an entry in ClinVar:

ClinVar aggregate classification (germline): Uncertain significance (1 of 4 stars; one submission).

Conditions:
Hereditary cancer-predisposing syndrome. Also called: Neoplastic Syndromes, Hereditary; Tumor predisposition; Hereditary Cancer Syndrome; Hereditary neoplastic syndrome. Identifiers: Orphanet 140162, MedGen C0027672, MeSH D009386, MONDO:0015356.

Submission:

Ambry Genetics
Classification: Uncertain significance for Hereditary cancer-predisposing syndrome. Last evaluated: 2022-07-26. Review status: criteria provided, single submitter. Criteria: Ambry Variant Classification Scheme 2023. Collection method: clinical testing. Allele origin: germline.
Comment: The c.1927_1928delGCinsTT variant, located in coding exon 7 of the AXIN2 gene, results from an in-frame deletion of GC and insertion of TT at nucleotide positions 1927 to 1928. This results in the substitution of the alanine residue for a phenylalanine residue at codon 643, an amino acid with dissimilar properties. This amino acid position is not well conserved in available vertebrate species. In addition, the in silico prediction for this alteration is inconclusive (Choi Y et al. PLoS ONE. 2012; 7(10):e46688). Since supporting evidence is limited at this time, the clinical significance of this alteration remains unclear.

NM_004655.4(AXIN2):c.1927_1928delinsTT (p.Ala643Phe)

Gene: AXIN2 (axin 2; minus strand). Cytogenetic location: 17q24.1.
Variant type: Indel.
Coding change: c.1927_1928delinsTT on transcript NM_004655.4 (MANE Select); coding-DNA positions 1927 to 1928, GC replaced by TT.
Protein change: p.Ala643Phe; replaces alanine 643 with phenylalanine.
Molecular consequence: missense variant.
Genome position (GRCh38, 1-based): chr17:65,536,533-65,536,534, GC replaced by AA on the plus strand (GC replaced by TT on the coding strand, the reverse complement: AXIN2 is on the minus strand). VCF-style: chr17-65536533-GC-AA. GRCh37 (hg19) VCF-style: chr17-63532651-GC-AA.
Other names: c.1732_1733delinsTT, p.Ala578Phe (NM_001363813.1); short protein forms A578F, A643F.
Identifiers: ClinVar variation 1782781 (VCV001782781.2), dbSNP rs2509403628, ClinGen allele CA2580094677.